The following is an entry in ClinVar:

NM_000143.4(FH):c.818C>T (p.Ala273Val)

Gene: FH (fumarate hydratase; minus strand). Cytogenetic location: 1q43.
Variant type: single nucleotide variant.
Coding change: c.818C>T on transcript NM_000143.4 (MANE Select); coding-DNA position 818, C replaced by T.
Protein change: p.Ala273Val; replaces alanine 273 with valine.
Molecular consequence: missense variant.
Genome position (GRCh38, 1-based): chr1:241,506,089, G>A on the plus strand (C>T on the coding strand, the complement: FH is on the minus strand). VCF-style: chr1-241506089-G-A. GRCh37 (hg19) VCF-style: chr1-241669389-G-A.
Other names: short protein forms A273V.
Identifiers: ClinVar variation 827495 (VCV000827495.6), dbSNP rs1573881663, ClinGen allele CA345438956.

ClinVar aggregate classification (germline): Uncertain significance. Review status: criteria provided, multiple submitters, no conflicts (2 of 4 stars). 2 submissions from 2 submitters: Uncertain significance (2). Last evaluated 2026-01-28.

Conditions:
Hereditary cancer-predisposing syndrome. Also called: Hereditary Cancer Syndrome; Tumor predisposition; Neoplastic Syndromes, Hereditary; Hereditary neoplastic syndrome. Identifiers: Orphanet 140162, MedGen C0027672, MeSH D009386, MONDO:0015356.

Allele frequency attached by ClinVar (database versions not stated): gnomAD exomes below 0.00001.
gnomAD v4.1: 2 of 1,613,962 alleles (0.00012%); highest among the groups gnomAD compares: Non-Finnish European, 0.00017%; no homozygotes.

Submissions (2):

Ambry Genetics
Classification: Uncertain significance for Hereditary cancer-predisposing syndrome. Last evaluated: 2026-01-28. Review status: criteria provided, single submitter. Criteria: Ambry Variant Classification Scheme 2023. Collection method: clinical testing. Allele origin: germline.
Comment: The p.A273V variant (also known as c.818C>T), located in coding exon 6 of the FH gene, results from a C to T substitution at nucleotide position 818. The alanine at codon 273 is replaced by valine, an amino acid with similar properties. This amino acid position is highly conserved in available vertebrate species. In addition, this alteration is predicted to be deleterious by in silico analysis. Based on the available evidence, the clinical significance of this variant remains unclear.

Labcorp Genetics (formerly Invitae), Labcorp
Classification: Uncertain significance. Last evaluated: 2025-04-02. Review status: criteria provided, single submitter. Criteria: Invitae Variant Classification Sherloc (09022015). Collection method: clinical testing. Allele origin: germline.
Comment: This sequence change replaces alanine, which is neutral and non-polar, with valine, which is neutral and non-polar, at codon 273 of the FH protein (p.Ala273Val). This variant is not present in population databases (gnomAD no frequency). This variant has not been reported in the literature in individuals affected with FH-related conditions. ClinVar contains an entry for this variant (Variation ID: 827495). Invitae Evidence Modeling of protein sequence and biophysical properties (such as structural, functional, and spatial information, amino acid conservation, physicochemical variation, residue mobility, and thermodynamic stability) indicates that this missense variant is expected to disrupt FH protein function with a positive predictive value of 95%. In summary, the available evidence is currently insufficient to determine the role of this variant in disease. Therefore, it has been classified as a Variant of Uncertain Significance.